The following is an entry in ClinVar:

ClinVar aggregate classification (germline): Uncertain significance (1 of 4 stars; one submission).

Conditions:
Familial hemophagocytic lymphohistiocytosis 5. Also called: STXBP2-Related Familial Hemophagocytic Lymphohistiocytosis (STXBP2-fHLH). Identifiers: Orphanet 540, MedGen C2751293, MONDO:0013135, OMIM 613101.

Allele frequency attached by ClinVar (database versions not stated): gnomAD exomes below 0.00001; TOPMed 0.00001.
gnomAD v4.1: 1 of 1,613,892 alleles (0.000062%); highest among the groups gnomAD compares: Admixed American, 0.0017%; no homozygotes.

Submission:

Labcorp Genetics (formerly Invitae), Labcorp
Classification: Uncertain significance for Familial hemophagocytic lymphohistiocytosis 5. Last evaluated: 2024-10-24. Review status: criteria provided, single submitter. Criteria: Invitae Variant Classification Sherloc (09022015). Collection method: clinical testing. Allele origin: germline.
Comment: This sequence change replaces serine, which is neutral and polar, with isoleucine, which is neutral and non-polar, at codon 78 of the STXBP2 protein (p.Ser78Ile). This variant is present in population databases (no rsID available, gnomAD 0.003%). This variant has not been reported in the literature in individuals affected with STXBP2-related conditions. ClinVar contains an entry for this variant (Variation ID: 1432424). Invitae Evidence Modeling of protein sequence and biophysical properties (such as structural, functional, and spatial information, amino acid conservation, physicochemical variation, residue mobility, and thermodynamic stability) indicates that this missense variant is not expected to disrupt STXBP2 protein function with a negative predictive value of 95%. In summary, the available evidence is currently insufficient to determine the role of this variant in disease. Therefore, it has been classified as a Variant of Uncertain Significance.

NM_006949.4(STXBP2):c.233G>T (p.Ser78Ile)

Gene: STXBP2 (syntaxin binding protein 2; plus strand). Cytogenetic location: 19p13.2.
Variant type: single nucleotide variant.
Coding change: c.233G>T on transcript NM_006949.4 (MANE Select); coding-DNA position 233, G replaced by T.
Protein change: p.Ser78Ile; replaces serine 78 with isoleucine.
Molecular consequence: missense variant. On other transcripts: non-coding transcript variant (1).
Genome position (GRCh38, 1-based): chr19:7,639,794, G>T. VCF-style: chr19-7639794-G-T. GRCh37 (hg19) VCF-style: chr19-7704680-G-T.
Other names: c.233G>T, p.Ser78Ile (NM_001127396.3, NM_001272034.2); short protein forms S78I.
Identifiers: ClinVar variation 1432424 (VCV001432424.5), dbSNP rs1050758306, ClinGen allele CA304903520.